The following is an entry in ClinVar:

NC_000022.10:g.(41537227_41542742)_(41560135_41562602)dup

Genes: EP300 (EP300 lysine acetyltransferase; plus strand), LOC126863158 (BRD4-independent group 4 enhancer GRCh37_chr22:41547383-41548582; plus strand). Cytogenetic location: 22q13.2.
Variant type: Duplication.
Identifiers: ClinVar variation 397516 (VCV000397516.2).

ClinVar aggregate classification (germline): Pathogenic (1 of 4 stars; one submission).

Conditions:
Rubinstein-Taybi syndrome due to EP300 haploinsufficiency. Also called: RUBINSTEIN-TAYBI SYNDROME 2; EP300-Related Rubinstein-Taybi Syndrome. Identifiers: Orphanet 353284, Orphanet 783, MedGen C3150941, MONDO:0013364, OMIM 613684.

Submission:

Center of Genomic medicine, Geneva, University Hospital of Geneva
Classification: Pathogenic for Rubinstein-Taybi syndrome due to EP300 haploinsufficiency. Last evaluated: 2016-12-13. Review status: criteria provided, single submitter. Criteria: ACMG Guidelines, 2015. Collection method: clinical testing. Allele origin: de novo. Affected: yes.